The following is an entry in ClinVar:

NM_000719.7(CACNA1C):c.5623G>C (p.Asp1875His)

Genes: CACNA1C (calcium voltage-gated channel subunit alpha1 C; plus strand), CACNA1C-AS1 (CACNA1C antisense RNA 1; minus strand). Cytogenetic location: 12p13.33.
Variant type: single nucleotide variant.
Coding change: c.5623G>C on transcript NM_000719.7 (MANE Select); coding-DNA position 5623, G replaced by C.
Protein change: p.Asp1875His; replaces aspartic acid 1875 with histidine.
Molecular consequence: missense variant.
Genome position (GRCh38, 1-based): chr12:2,685,785, G>C. VCF-style: chr12-2685785-G-C. GRCh37 (hg19) VCF-style: chr12-2794951-G-C.
Other names: c.5767G>C, p.Asp1923His (NM_001129827.2); c.5746G>C, p.Asp1916His (NM_001129829.2); c.5728G>C, p.Asp1910His (NM_001129830.3, NM_001167624.3); c.5707G>C, p.Asp1903His (NM_001129831.2); c.5683G>C, p.Asp1895His (NM_001129832.2); c.5680G>C, p.Asp1894His (NM_001129833.2, NM_001129834.2, NM_001129835.2); c.5674G>C, p.Asp1892His (NM_001129836.2); c.5647G>C, p.Asp1883His (NM_001129837.2, NM_001129838.2); and 6 more; short protein forms D1892H, D1910H, D1916H, D1935H, D1872H, D1895H, D1875H, D1881H.
Identifiers: ClinVar variation 2050966 (VCV002050966.5), dbSNP rs1569266425, ClinGen allele CA383382038.

ClinVar aggregate classification (germline): Uncertain significance. Review status: criteria provided, multiple submitters, no conflicts (2 of 4 stars). 2 submissions from 2 submitters: Uncertain significance (2). Last evaluated 2025-05-09.

Conditions:
Long QT syndrome (LQTS). Identifiers: MedGen C0023976, MeSH D008133, MONDO:0002442. Disease mechanism: loss of function. Inheritance: Various modes of inheritance.
Cardiovascular phenotype. Identifiers: MedGen CN230736.

Allele frequency attached by ClinVar (database versions not stated): gnomAD exomes below 0.00001.
gnomAD v4.1: 1 of 1,613,762 alleles (0.000062%); highest among the groups gnomAD compares: Non-Finnish European, 0.000085%; no homozygotes.

Submissions (2):

Labcorp Genetics (formerly Invitae), Labcorp
Classification: Uncertain significance for Long QT syndrome. Last evaluated: 2025-05-09. Review status: criteria provided, single submitter. Criteria: Invitae Variant Classification Sherloc (09022015). Collection method: clinical testing. Allele origin: germline.
Comment: This sequence change replaces aspartic acid, which is acidic and polar, with histidine, which is basic and polar, at codon 1875 of the CACNA1C protein (p.Asp1875His). This variant is not present in population databases (gnomAD no frequency). This missense change has been observed in individual(s) with Brugada syndrome (PMID: 34999275). ClinVar contains an entry for this variant (Variation ID: 2050966). Invitae Evidence Modeling of protein sequence and biophysical properties (such as structural, functional, and spatial information, amino acid conservation, physicochemical variation, residue mobility, and thermodynamic stability) indicates that this missense variant is not expected to disrupt CACNA1C protein function with a negative predictive value of 95%. In summary, the available evidence is currently insufficient to determine the role of this variant in disease. Therefore, it has been classified as a Variant of Uncertain Significance.

Ambry Genetics
Classification: Uncertain significance for Cardiovascular phenotype. Last evaluated: 2024-12-02. Review status: criteria provided, single submitter. Criteria: Ambry Variant Classification Scheme 2023. Collection method: clinical testing. Allele origin: germline.
Comment: The p.D1875H variant (also known as c.5623G>C), located in coding exon 44 of the CACNA1C gene, results from a G to C substitution at nucleotide position 5623. The aspartic acid at codon 1875 is replaced by histidine, an amino acid with similar properties. This amino acid position is not well conserved in available vertebrate species. In addition, the in silico prediction for this alteration is inconclusive. Based on the available evidence, the clinical significance of this variant remains unclear.

Literature cited by the submitters: PubMed 34999275 (cited by Labcorp Genetics (formerly Invitae), Labcorp).